The following is an entry in ClinVar:

ClinVar aggregate classification (germline): Pathogenic (1 of 4 stars; one submission).

Conditions:
VPS13A-related neurodegenerative disease. Also called: ACANTHOCYTOSIS WITH NEUROLOGIC DISORDER; LEVINE-CRITCHLEY SYNDROME; Choreoacanthocytosis; Chorea-acanthocytosis; Choreaacanthocytosis; VPS13A Disease. Identifiers: Orphanet 2388, MedGen C0393576, MONDO:0008695, OMIM 200150.

Submission:

Myriad Genetics, Inc.
Classification: Pathogenic for VPS13A-related neurodegenerative disease. Last evaluated: 2023-09-02. Review status: criteria provided, single submitter. Criteria: Myriad Autosomal Dominant, Autosomal Recessive and X-Linked Classification Criteria (2023). Collection method: clinical testing. Allele origin: unknown.
Comment: NM_033305.2(VPS13A):c.4377_4378del2ins10(D1459Efs*17) is expected to be pathogenic in the context of VPS13A disease. This variant is predicted to lead to an abnormal or absent protein product due to the creation of a premature termination codon in VPS13A, a gene where loss-of-function variants are known to be pathogenic. Please note: this variant was assessed in the context of healthy population screening.

NM_033305.3(VPS13A):c.4377_4378delinsACTGTCTCTT (p.Asp1459fs)

Gene: VPS13A (vacuolar protein sorting 13 homolog A; plus strand). Cytogenetic location: 9q21.2.
Variant type: Indel.
Coding change: c.4377_4378delinsACTGTCTCTT on transcript NM_033305.3 (MANE Select); coding-DNA positions 4377 to 4378, TG replaced by ACTGTCTCTT.
Protein change: p.Asp1459fs; shifts the reading frame from aspartic acid 1459.
Molecular consequence: frameshift variant.
Genome position (GRCh38, 1-based): chr9:77,314,629-77,314,630, TG replaced by ACTGTCTCTT. VCF-style: chr9-77314629-TG-ACTGTCTCTT. GRCh37 (hg19) VCF-style: chr9-79929545-TG-ACTGTCTCTT.
Other names: c.4260_4261delinsACTGTCTCTT, p.Asp1420fs (NM_001018037.2); c.4377_4378delinsACTGTCTCTT, p.Asp1459fs (NM_001018038.3, NM_015186.4); short protein forms D1420fs, D1459fs.
Identifiers: ClinVar variation 5011509 (VCV005011509.1).